The following is an entry in ClinVar:

NM_017636.4(TRPM4):c.1492C>T (p.Leu498Phe)

Gene: TRPM4 (transient receptor potential cation channel subfamily M member 4; plus strand). Cytogenetic location: 19q13.33.
Variant type: single nucleotide variant.
Coding change: c.1492C>T on transcript NM_017636.4 (MANE Select); coding-DNA position 1492, C replaced by T.
Protein change: p.Leu498Phe; replaces leucine 498 with phenylalanine.
Molecular consequence: missense variant. On other transcripts: 5 prime UTR variant (1).
Genome position (GRCh38, 1-based): chr19:49,182,806, C>T. VCF-style: chr19-49182806-C-T. GRCh37 (hg19) VCF-style: chr19-49686063-C-T.
Other names: c.1492C>T, p.Leu498Phe (NM_001195227.2); c.1147C>T, p.Leu383Phe (NM_001321281.2); c.-62C>T (NM_001321282.2); c.970C>T, p.Leu324Phe (NM_001321283.2); c.430C>T, p.Leu144Phe (NM_001321285.2); short protein forms L498F, L144F, L383F, L324F.
Identifiers: ClinVar variation 1773813 (VCV001773813.3), dbSNP rs757025634, ClinGen allele CA406799499.

ClinVar aggregate classification (germline): Uncertain significance (1 of 4 stars; one submission).

Conditions:
Cardiovascular phenotype. Identifiers: MedGen CN230736.

Allele frequency attached by ClinVar (database versions not stated): gnomAD 0.00001.

Submission:

Ambry Genetics
Classification: Uncertain significance for Cardiovascular phenotype. Last evaluated: 2024-06-12. Review status: criteria provided, single submitter. Criteria: Ambry Variant Classification Scheme 2023. Collection method: clinical testing. Allele origin: germline.
Comment: The p.L498F variant (also known as c.1492C>T), located in coding exon 11 of the TRPM4 gene, results from a C to T substitution at nucleotide position 1492. The leucine at codon 498 is replaced by phenylalanine, an amino acid with highly similar properties. This amino acid position is poorly conserved in available vertebrate species. In addition, this alteration is predicted to be tolerated by in silico analysis. Since supporting evidence is limited at this time, the clinical significance of this alteration remains unclear.